The following is an entry in ClinVar:

ClinVar aggregate classification (germline): Uncertain significance (1 of 4 stars; one submission).

Conditions:
Gastrointestinal stromal tumor. Also called: Gastrointestinal stroma tumor; Gastrointestinal stromal tumor, somatic. Identifiers: Orphanet 44890, MedGen C0238198, MeSH D046152, MONDO:0011719, OMIM 606764, HP:0100723.

Submission:

Labcorp Genetics (formerly Invitae), Labcorp
Classification: Uncertain significance for Gastrointestinal stromal tumor. Last evaluated: 2022-09-29. Review status: criteria provided, single submitter. Criteria: Invitae Variant Classification Sherloc (09022015). Collection method: clinical testing. Allele origin: germline.
Comment: Experimental studies and prediction algorithms are not available or were not evaluated, and the functional significance of this variant is currently unknown. In summary, the available evidence is currently insufficient to determine the role of this variant in disease. Therefore, it has been classified as a Variant of Uncertain Significance. This variant has not been reported in the literature in individuals affected with PDGFRA-related conditions. This variant results in a copy number gain of the genomic region encompassing exon(s) 23 of the PDGFRA gene. This region includes the termination codon of the gene. This copy number gain extends beyond the assayed region for this gene and therefore may encompass additional genes. As the precise location of this event is unknown, it may be in tandem or it may be located elsewhere in the genome.

NC_000004.11:g.(?_55161282)_(55161473_?)dup

Gene: PDGFRA (platelet derived growth factor receptor alpha; plus strand). Cytogenetic location: 4q12.
Variant type: Duplication.
Identifiers: ClinVar variation 2425527 (VCV002425527.11).